The following is an entry in ClinVar:

ClinVar aggregate classification (germline): Pathogenic (1 of 4 stars; one submission).

Conditions:
Glutaric aciduria, type 1. Also called: GA I; Glutaric Acidemia Type 1; Glutaric acidemia type I; Glutaricacidemia Type 1; Glutaryl-CoA dehydrogenase deficiency; Glutaricaciduria, type I. Identifiers: Orphanet 25, MedGen C0268595, MONDO:0009281, OMIM 231670.

Allele frequency attached by ClinVar (database versions not stated): gnomAD exomes below 0.00001.

Submission:

Labcorp Genetics (formerly Invitae), Labcorp
Classification: Pathogenic for Glutaric aciduria, type 1. Last evaluated: 2020-10-19. Review status: criteria provided, single submitter. Criteria: Invitae Variant Classification Sherloc (09022015). Collection method: clinical testing. Allele origin: germline.
Comment: For these reasons, this variant has been classified as Pathogenic. Algorithms developed to predict the effect of sequence changes on RNA splicing suggest that this variant may disrupt the consensus splice site, but this prediction has not been confirmed by published transcriptional studies. This variant has not been reported in the literature in individuals with GCDH-related conditions. This variant is not present in population databases (ExAC no frequency). This sequence change creates a premature translational stop signal (p.Glu31*) in the GCDH gene. It is expected to result in an absent or disrupted protein product. Loss-of-function variants in GCDH are known to be pathogenic (PMID: 10699052, 11854167, 16602100).

Literature cited by the submitters: PubMed 10699052; PubMed 11854167; PubMed 16602100.

NM_000159.4(GCDH):c.91G>T (p.Glu31Ter)

Genes: GCDH (glutaryl-CoA dehydrogenase; plus strand), LOC117125594 (CRISPRi-FlowFISH-validated KLF1 regulatory element; plus strand). Cytogenetic location: 19p13.13.
Variant type: single nucleotide variant.
Coding change: c.91G>T on transcript NM_000159.4 (MANE Select); coding-DNA position 91, G replaced by T.
Protein change: p.Glu31Ter; replaces glutamic acid 31 with a stop codon.
Molecular consequence: nonsense. On other transcripts: non-coding transcript variant (2).
Genome position (GRCh38, 1-based): chr19:12,891,395, G>T. VCF-style: chr19-12891395-G-T. GRCh37 (hg19) VCF-style: chr19-13002209-G-T.
Other names: c.91G>T, p.Glu31Ter (NM_013976.5); short protein forms E31*.
Identifiers: ClinVar variation 1070459 (VCV001070459.7), dbSNP rs1374072630, ClinGen allele CA404313425.